The following is an entry in ClinVar:

NM_174916.3(UBR1):c.4044A>G (p.Gln1348=)

Gene: UBR1 (ubiquitin protein ligase E3 component n-recognin 1; minus strand). Cytogenetic location: 15q15.2.
Variant type: single nucleotide variant.
Coding change: c.4044A>G on transcript NM_174916.3 (MANE Select); coding-DNA position 4044, A replaced by G.
Protein change: p.Gln1348=; no amino-acid change (glutamine 1348 retained).
Molecular consequence: synonymous variant.
Genome position (GRCh38, 1-based): chr15:42,984,896, T>C on the plus strand (A>G on the coding strand, the complement: UBR1 is on the minus strand). VCF-style: chr15-42984896-T-C. GRCh37 (hg19) VCF-style: chr15-43277094-T-C.
Identifiers: ClinVar variation 723599 (VCV000723599.12), dbSNP rs141869423, ClinGen allele CA7518011.
Genomic context (GRCh38, chr15:42,984,896, plus strand): 5'-GGGAAAAAAGGCATGCCATGAGTTACATGTACCTTGTTGGAATATACATACCTGCCTATT[T>C]TGAAGTGCTCCAAACAGAGGTTTTCCTTCATCTCCCAATAGATTTTCTCAAAGAATAAAA-3'
Protein context (NP_777576.1, residues 1338-1358): DEGKPLFGAL[Gln1348=]NRQHNGLKAL

ClinVar aggregate classification (germline): Likely benign. Review status: criteria provided, multiple submitters, no conflicts (2 of 4 stars). 3 submissions from 3 submitters: Likely benign (2). 1 of the submissions does not count toward it. Last evaluated 2026-01-25.

Conditions:
UBR1-related disorder. Also called: UBR1-related condition.

Allele frequency attached by ClinVar (database versions not stated): gnomAD 0.00025; 1000 Genomes Project 30x 0.00031; ESP Exome Variant Server 0.00031; TOPMed 0.00038; 1000 Genomes Project 0.00040.
gnomAD v4.1: 205 of 1,612,370 alleles (0.013%); highest among the groups gnomAD compares: African/African-American, 0.13%; 1 homozygote.

Submissions (3):

Labcorp Genetics (formerly Invitae), Labcorp
Classification: Likely benign. Last evaluated: 2026-01-25. Review status: criteria provided, single submitter. Criteria: Invitae Variant Classification Sherloc (09022015). Collection method: clinical testing. Allele origin: germline.

Blueprint Genetics
Classification: Likely benign. Last evaluated: 2024-11-13. Review status: criteria provided, single submitter. Criteria: ACMG Guidelines, 2015. Collection method: clinical testing. Allele origin: germline.

PreventionGenetics, part of Exact Sciences
Classification: Likely benign for UBR1-related condition. Last evaluated: 2019-04-03. Review status: no assertion criteria provided. Collection method: clinical testing. Allele origin: germline. Not counted in ClinVar's aggregate classification.
Comment: This variant is classified as likely benign based on ACMG/AMP sequence variant interpretation guidelines (Richards et al. 2015 PMID: 25741868, with internal and published modifications).